The following is an entry in ClinVar:

ClinVar aggregate classification (germline): Pathogenic. Review status: criteria provided, multiple submitters, no conflicts (2 of 4 stars). 6 submissions from 6 submitters: Pathogenic (6). Last evaluated 2025-12-08.

Conditions:
Polycystic kidney disease, adult type (PKD1). Also called: Polycystic Kidney Disease 1, Autosomal Dominant; Polycystic kidney disease 1; Polycystic kidney disease 1, severe; Polycystic Kidney, Autosomal Dominant; POLYCYSTIC KIDNEY DISEASE, ADULT, TYPE I; POLYCYSTIC KIDNEY DISEASE 1 WITH OR WITHOUT POLYCYSTIC LIVER DISEASE. Identifiers: MedGen C3149841, MONDO:0008263, OMIM 173900.
PKD1-related disorder. Also called: PKD1-related condition.

Submissions (6):

Women's Health and Genetics/Laboratory Corporation of America, LabCorp
Classification: Pathogenic for Polycystic kidney disease, adult type. Last evaluated: 2025-12-08. Review status: criteria provided, single submitter. Criteria: LabCorp Variant Classification Summary - May 2015. Collection method: clinical testing. Allele origin: germline.
Comment: Variant summary: PKD1 c.6727_6730delCAGA (p.Gln2243AlafsX6) results in a premature termination codon, predicted to cause absence of the protein due to nonsense mediated decay, which is a commonly known mechanism for disease. The variant allele was found at a frequency of 4e-06 in 248160 control chromosomes (gnomAD). c.6727_6730delCAGA has been observed in an individual affected with Polycystic Kidney Disease 1 (Audrezet_2012). The following publication has been ascertained in the context of this evaluation (PMID: 22508176). ClinVar contains an entry for this variant (Variation ID: 3571487). Based on the evidence outlined above, the variant was classified as pathogenic.

GeneDx
Classification: Pathogenic. Last evaluated: 2024-10-23. Review status: criteria provided, single submitter. Criteria: GeneDx Variant Classification Process June 2021. Collection method: clinical testing. Allele origin: germline. Affected: yes.
Comment: Frameshift variant predicted to result in protein truncation or nonsense mediated decay in a gene for which loss of function is a known mechanism of disease; Not observed at significant frequency in large population cohorts (gnomAD); This variant is associated with the following publications: (PMID: 33111320, 22508176)

Department of Pathology and Laboratory Medicine, Sinai Health System
Classification: Pathogenic for Polycystic kidney disease, adult type. Last evaluated: 2024-03-11. Review status: criteria provided, single submitter. Criteria: ACMG Guidelines, 2015. Collection method: clinical testing. Allele origin: germline. Affected: yes.

Athena Diagnostics
Classification: Pathogenic. Last evaluated: 2023-11-07. Review status: criteria provided, single submitter. Criteria: Athena Diagnostics Criteria. Collection method: clinical testing. Allele origin: unknown.
Comment: This variant is expected to result in the loss of a functional protein. The frequency of this variant in the general population is consistent with pathogenicity. This variant has been identified in at least one individual with clinical features associated with this gene.

Blueprint Genetics
Classification: Pathogenic for PKD1-related disorders. Last evaluated: 2023-06-12. Review status: criteria provided, single submitter. Criteria: ACMG Guidelines, 2015. Collection method: clinical testing. Allele origin: germline. Affected: yes. Observed: 1 variant allele.

Juno Genomics, Hangzhou Juno Genomics, Inc
Classification: Pathogenic for Polycystic kidney disease, adult type. Review status: criteria provided, single submitter. Criteria: ACMG Guidelines, 2015. Collection method: clinical testing. Allele origin: germline. Affected: yes.
Comment: Absent from controls (or at extremely low frequency if recessive) in Genome Aggregation Database, Exome Sequencing Project, 1000 Genomes Project, or Exome Aggregation Consortium.;Null variant in a gene where loss of function (LOF) is a known mechanism of disease.;The prevalence of the variant in affected individuals is significantly increased compared to the prevalence in controls.

Literature cited by the submitters: PubMed 22508176 (cited by Women's Health and Genetics/Laboratory Corporation of America, LabCorp and Athena Diagnostics); PubMed 26139440 (cited by Department of Pathology and Laboratory Medicine, Sinai Health System and Athena Diagnostics); PubMed 33111320 (cited by Athena Diagnostics).

NM_001009944.3(PKD1):c.6727_6730del (p.Gln2243fs)

Gene: PKD1 (polycystin 1, transient receptor potential channel interacting; minus strand). Cytogenetic location: 16p13.3.
Variant type: Deletion.
Coding change: c.6727_6730del on transcript NM_001009944.3 (MANE Select); coding-DNA positions 6727 to 6730, 4 bases deleted (CAGA; older notation c.6727_6730delCAGA).
Protein change: p.Gln2243fs; shifts the reading frame from glutamine 2243.
Molecular consequence: frameshift variant.
Genome position (GRCh38, 1-based): chr16:2,108,437-2,108,440, TCTG deleted on the plus strand (CAGA on the coding strand, the reverse complement: PKD1 is on the minus strand); deleting any 4 consecutive bases within chr16:2,108,437-2,108,441 gives the same sequence; the c. name uses the placement nearest the transcript's 3' end. VCF-style (leftmost placement, unchanged base first): chr16-2108436-CTCTG-C. GRCh37 (hg19) VCF-style: chr16-2158437-CTCTG-C.
Other names: c.6727_6730del, p.Gln2243fs (NM_000296.4); c.6726_6729delACAG, p.Gln2243Alafs (NM_001009944.2); c.6727_6730delCAGA (NM_001009944.3); short protein forms Q2243fs.
Identifiers: ClinVar variation 3571487 (VCV003571487.6).